The following is an entry in ClinVar:

NM_017534.6(MYH2):c.1289T>G (p.Leu430Arg)

Genes: MYHAS (myosin heavy chain gene cluster antisense RNA; plus strand), MYH2 (myosin heavy chain 2; minus strand). Cytogenetic location: 17p13.1.
Variant type: single nucleotide variant.
Coding change: c.1289T>G on transcript NM_017534.6 (MANE Select); coding-DNA position 1289, T replaced by G.
Protein change: p.Leu430Arg; replaces leucine 430 with arginine.
Molecular consequence: missense variant.
Genome position (GRCh38, 1-based): chr17:10,539,332, A>C on the plus strand (T>G on the coding strand, the complement: MYH2 is on the minus strand). VCF-style: chr17-10539332-A-C. GRCh37 (hg19) VCF-style: chr17-10442649-A-C.
Other names: c.1289T>G, p.Leu430Arg (NM_001100112.2); short protein forms L430R.
Identifiers: ClinVar variation 4741858 (VCV004741858.1).
Genomic context (GRCh38, chr17:10,539,332, plus strand): 5'-AGCTGCTGGTTGATGCGGGCAACCATCCACAGGAACATCTTCTCGTAGACGGCTTTGGCC[A>C]GAGCACCTACTGCGTTGGACACCTTAAAAGACAAAATTATAACTCTCGAAGTTATTAAAG-3'
Protein context (NP_060004.3, residues 420-440): VEQVSNAVGA[Leu430Arg]AKAVYEKMFL

ClinVar aggregate classification (germline): Uncertain significance (1 of 4 stars; one submission).

Conditions:
Myopathy, proximal, and ophthalmoplegia (CMYO6). Also called: INCLUSION BODY MYOPATHY 3, AUTOSOMAL DOMINANT; CONGENITAL MYOPATHY 6 WITH OPHTHALMOPLEGIA; MYOPATHY WITH CONGENITAL JOINT CONTRACTURES, OPHTHALMOPLEGIA, AND RIMMED VACUOLES. Identifiers: Orphanet 363677, Orphanet 79091, MedGen C1854106, MONDO:0011577, OMIM 605637.

gnomAD v4.1: 6 of 1,614,116 alleles (0.00037%); highest among the groups gnomAD compares: Non-Finnish European, 0.00051%; no homozygotes.

Submission:

Labcorp Genetics (formerly Invitae), Labcorp
Classification: Uncertain significance for Myopathy, proximal, and ophthalmoplegia. Last evaluated: 2025-08-05. Review status: criteria provided, single submitter. Criteria: Invitae Variant Classification Sherloc (09022015). Collection method: clinical testing. Allele origin: germline.
Comment: This sequence change replaces leucine, which is neutral and non-polar, with arginine, which is basic and polar, at codon 430 of the MYH2 protein (p.Leu430Arg). This variant is not present in population databases (gnomAD no frequency). This missense change has been observed in individual(s) with MYH2-related conditions (PMID: 31127727). Invitae Evidence Modeling of protein sequence and biophysical properties (such as structural, functional, and spatial information, amino acid conservation, physicochemical variation, residue mobility, and thermodynamic stability) indicates that this missense variant is expected to disrupt MYH2 protein function with a positive predictive value of 80%. In summary, the available evidence is currently insufficient to determine the role of this variant in disease. Therefore, it has been classified as a Variant of Uncertain Significance.

Literature cited by the submitters: PubMed 31127727.